The following is an entry in ClinVar:

ClinVar aggregate classification (germline): Uncertain significance (1 of 4 stars; one submission).

gnomAD v4.1: 29 of 1,614,146 alleles (0.0018%); highest among the groups gnomAD compares: East Asian, 0.065%; no homozygotes.

Submission:

Labcorp Genetics (formerly Invitae), Labcorp
Classification: Uncertain significance. Last evaluated: 2025-08-01. Review status: criteria provided, single submitter. Criteria: Invitae Variant Classification Sherloc (09022015). Collection method: clinical testing. Allele origin: germline.
Comment: This sequence change replaces lysine, which is basic and polar, with arginine, which is basic and polar, at codon 429 of the FLNB protein (p.Lys429Arg). This variant is not present in population databases (gnomAD no frequency). This variant has not been reported in the literature in individuals affected with FLNB-related conditions. Invitae Evidence Modeling of protein sequence and biophysical properties (such as structural, functional, and spatial information, amino acid conservation, physicochemical variation, residue mobility, and thermodynamic stability) indicates that this missense variant is not expected to disrupt FLNB protein function with a negative predictive value of 95%. In summary, the available evidence is currently insufficient to determine the role of this variant in disease. Therefore, it has been classified as a Variant of Uncertain Significance.

NM_001457.4(FLNB):c.1286A>G (p.Lys429Arg)

Gene: FLNB (filamin B; plus strand). Cytogenetic location: 3p14.3.
Variant type: single nucleotide variant.
Coding change: c.1286A>G on transcript NM_001457.4 (MANE Select); coding-DNA position 1286, A replaced by G.
Protein change: p.Lys429Arg; replaces lysine 429 with arginine.
Molecular consequence: missense variant.
Genome position (GRCh38, 1-based): chr3:58,098,849, A>G. VCF-style: chr3-58098849-A-G. GRCh37 (hg19) VCF-style: chr3-58084576-A-G.
Other names: c.1286A>G, p.Lys429Arg (NM_001164317.2, NM_001164318.2, NM_001164319.2); short protein forms K429R.
Identifiers: ClinVar variation 4706362 (VCV004706362.1).
Genomic context (GRCh38, chr3:58,098,849, plus strand): 5'-AAGGAAACCAGGTGTATCGATGTGTGTACAAACCCATGCAGCCTGGCCCTCACGTGGTCA[A>G]GATCTTCTTTGCTGGGGACACTATTCCTAAGAGTCCCTTCGTTGTGCAGGTTGGGGAAGG-3'
Protein context (NP_001448.2, residues 419-439): KPMQPGPHVV[Lys429Arg]IFFAGDTIPK